The following is an entry in ClinVar:

ClinVar aggregate classification (germline): Benign. Review status: criteria provided, multiple submitters, no conflicts (2 of 4 stars). 8 submissions from 8 submitters: Benign (8). Last evaluated 2026-02-04.

Conditions:
Kabuki syndrome. Also called: NIIKAWA-KUROKI SYNDROME; Kabuki make-up syndrome. Identifiers: Orphanet 2322, MedGen C0796004, MONDO:0016512.

Submissions (8):

Labcorp Genetics (formerly Invitae), Labcorp
Classification: Benign for Kabuki syndrome. Last evaluated: 2026-02-04. Review status: criteria provided, single submitter. Criteria: Invitae Variant Classification Sherloc (09022015). Collection method: clinical testing. Allele origin: germline.

ARUP Laboratories, Molecular Genetics and Genomics, ARUP Laboratories
Classification: Benign. Last evaluated: 2025-07-30. Review status: criteria provided, single submitter. Criteria: ARUP Molecular Germline Variant Investigation Process 2024. Collection method: clinical testing. Allele origin: germline.

Blueprint Genetics
Classification: Benign. Last evaluated: 2024-11-27. Review status: criteria provided, single submitter. Criteria: ACMG Guidelines, 2015. Collection method: clinical testing. Allele origin: germline.

Unidad de Genómica Garrahan, Hospital de Pediatría Garrahan
Classification: Benign. Last evaluated: 2024-01-24. Review status: criteria provided, single submitter. Criteria: ACMG Guidelines, 2015. Collection method: clinical testing. Allele origin: germline. Affected: no. Observed: 50 variant alleles.
Comment: This variant is classified as Benign based on local population frequency. This variant was detected in 53% of patients studied by a panel of primary immunodeficiencies. Number of patients: 50. Only high quality variants are reported.

Eurofins Ntd Llc (ga)
Classification: Benign. Last evaluated: 2016-04-06. Review status: criteria provided, single submitter. Criteria: EGL Classification Definitions 2015. Collection method: clinical testing. Allele origin: germline. Observed: 212 variant alleles, 173 heterozygotes, 39 homozygotes.

GeneDx
Classification: Benign. Last evaluated: 2015-03-03. Review status: criteria provided, single submitter. Criteria: GeneDx Variant Classification Process June 2021. Collection method: clinical testing. Allele origin: germline. Affected: yes.

Genetic Services Laboratory, University of Chicago
Classification: Benign. Last evaluated: 2013-02-08. Review status: criteria provided, single submitter. Criteria: ACMG Guidelines, 2007. Collection method: clinical testing. Allele origin: germline.

PreventionGenetics, part of Exact Sciences
Classification: Benign. Review status: criteria provided, single submitter. Criteria: ACMG Guidelines, 2015. Collection method: clinical testing. Allele origin: germline.

NM_003482.4(KMT2D):c.16412+16del

Gene: KMT2D (lysine methyltransferase 2D; minus strand). Cytogenetic location: 12q13.12.
Variant type: Deletion.
Coding change: c.16412+16del on transcript NM_003482.4 (MANE Select); 16 bases into the intron after coding-DNA position 16412, one base deleted (G; older notation c.16412+16delG).
Molecular consequence: intron variant.
Genome position (GRCh38, 1-based): chr12:49,022,264, C deleted on the plus strand (G on the coding strand, the reverse complement: KMT2D is on the minus strand); the first of 2 consecutive C bases (chr12:49,022,264-49,022,265); deleting either gives the same sequence. VCF-style (leftmost placement, unchanged base first): chr12-49022263-TC-T. GRCh37 (hg19) VCF-style: chr12-49416046-TC-T.
Other names: c.16412+16delG (NM_003482.3).
Identifiers: ClinVar variation 94193 (VCV000094193.31), dbSNP rs34546217, ClinGen allele CA147683.
Genomic context (GRCh38, chr12:49,022,263, plus strand): 5'-TTGATTCCTTGTTCGTCTATCCCCCAGAGTGCCACTCTCAGGGACCACTAAATCCCTCCT[TC>T]CTCGTCATCTCTCACCTGGCAGGGCCGCCGGTCAACGTAGCATCAATCACATGTTCATTG-3'